The following is an entry in ClinVar:

ClinVar aggregate classification (germline): Pathogenic (1 of 4 stars; one submission).

Conditions:
Intellectual developmental disorder, autosomal dominant 1. Also called: Intellectual disability, autosomal dominant 1; MBD5 Haploinsufficiency. Identifiers: Orphanet 228402, MedGen C1969562, MONDO:0007974, OMIM 156200.

Submission:

Labcorp Genetics (formerly Invitae), Labcorp
Classification: Pathogenic for Intellectual developmental disorder, autosomal dominant 1. Last evaluated: 2019-06-22. Review status: criteria provided, single submitter. Criteria: Invitae Variant Classification Sherloc (09022015). Collection method: clinical testing. Allele origin: germline.
Comment: This sequence change creates a premature translational stop signal (p.Ser127Valfs*11) in the MBD5 gene. It is expected to result in an absent or disrupted protein product. This variant is not present in population databases (ExAC no frequency). This variant has not been reported in the literature in individuals with MBD5-related disease. Loss-of-function variants in MBD5 are known to be pathogenic (PMID: 23422940, 23587880). For these reasons, this variant has been classified as Pathogenic.

Literature cited by the submitters: PubMed 23422940; PubMed 23587880.

NM_001378120.1(MBD5):c.379del (p.Ser127fs)

Gene: MBD5 (methyl-CpG binding domain protein 5; plus strand). Cytogenetic location: 2q23.1.
Variant type: Deletion.
Coding change: c.379del on transcript NM_001378120.1 (MANE Select); coding-DNA position 379, one base deleted (A; older notation c.379delA).
Protein change: p.Ser127fs; shifts the reading frame from serine 127.
Molecular consequence: frameshift variant.
Genome position (GRCh38, 1-based): chr2:148,463,901, A deleted. VCF-style (leftmost placement, unchanged base first): chr2-148463900-CA-C. GRCh37 (hg19) VCF-style: chr2-149221469-CA-C.
Other names: c.379delA (NM_018328.4); c.379del, p.Ser127fs (NM_018328.5); short protein forms S127fs.
Identifiers: ClinVar variation 536672 (VCV000536672.4), dbSNP rs1553517984, ClinGen allele CA658795864.